The following is an entry in ClinVar:

NM_005876.5(SPEG):c.872C>G (p.Ala291Gly)

Gene: SPEG (striated muscle enriched protein kinase; plus strand). Cytogenetic location: 2q35.
Variant type: single nucleotide variant.
Coding change: c.872C>G on transcript NM_005876.5 (MANE Select); coding-DNA position 872, C replaced by G.
Protein change: p.Ala291Gly; replaces alanine 291 with glycine.
Molecular consequence: missense variant.
Genome position (GRCh38, 1-based): chr2:219,448,030, C>G. VCF-style: chr2-219448030-C-G. GRCh37 (hg19) VCF-style: chr2-220312752-C-G.
Other names: short protein forms A291G.
Identifiers: ClinVar variation 2042896 (VCV002042896.2), dbSNP rs749277942, ClinGen allele CA2125605.

ClinVar aggregate classification (germline): Uncertain significance. Review status: criteria provided, multiple submitters, no conflicts (2 of 4 stars). 2 submissions from 2 submitters: Uncertain significance (2). Last evaluated 2022-06-14.

Conditions:
Inborn genetic diseases. Identifiers: MedGen C0950123, MeSH D030342.

Allele frequency attached by ClinVar (database versions not stated): TOPMed below 0.00001; ExAC 0.00001; gnomAD exomes 0.00001.
gnomAD v4.1: 7 of 1,612,232 alleles (0.00043%); highest among the groups gnomAD compares: Admixed American, 0.012%; no homozygotes.

Submissions (2):

Labcorp Genetics (formerly Invitae), Labcorp
Classification: Uncertain significance. Last evaluated: 2022-06-14. Review status: criteria provided, single submitter. Criteria: Invitae Variant Classification Sherloc (09022015). Collection method: clinical testing. Allele origin: germline.
Comment: This sequence change replaces alanine, which is neutral and non-polar, with glycine, which is neutral and non-polar, at codon 291 of the SPEG protein (p.Ala291Gly). This variant is present in population databases (rs749277942, gnomAD 0.02%). This variant has not been reported in the literature in individuals affected with SPEG-related conditions. Algorithms developed to predict the effect of missense changes on protein structure and function (SIFT, PolyPhen-2, Align-GVGD) all suggest that this variant is likely to be tolerated. In summary, the available evidence is currently insufficient to determine the role of this variant in disease. Therefore, it has been classified as a Variant of Uncertain Significance.

Ambry Genetics
Classification: Uncertain significance for Inborn genetic diseases. Last evaluated: 2022-05-18. Review status: criteria provided, single submitter. Criteria: Ambry Variant Classification Scheme 2023. Collection method: clinical testing. Allele origin: germline.